The following is an entry in ClinVar:

ClinVar aggregate classification (germline): Uncertain significance (1 of 4 stars; one submission).

Allele frequency attached by ClinVar (database versions not stated): gnomAD exomes below 0.00001; TOPMed below 0.00001; gnomAD 0.00001.
gnomAD v4.1: 6 of 1,613,966 alleles (0.00037%); highest among the groups gnomAD compares: African/African-American, 0.0013%; no homozygotes.

Submission:

Labcorp Genetics (formerly Invitae), Labcorp
Classification: Uncertain significance. Last evaluated: 2022-07-26. Review status: criteria provided, single submitter. Criteria: Invitae Variant Classification Sherloc (09022015). Collection method: clinical testing. Allele origin: germline.
Comment: This sequence change replaces arginine, which is basic and polar, with tryptophan, which is neutral and slightly polar, at codon 2126 of the SZT2 protein (p.Arg2126Trp). This variant is present in population databases (no rsID available, gnomAD 0.01%). This variant has not been reported in the literature in individuals affected with SZT2-related conditions. ClinVar contains an entry for this variant (Variation ID: 839401). Algorithms developed to predict the effect of missense changes on protein structure and function (SIFT, PolyPhen-2, Align-GVGD) all suggest that this variant is likely to be disruptive. In summary, the available evidence is currently insufficient to determine the role of this variant in disease. Therefore, it has been classified as a Variant of Uncertain Significance.

NM_001365999.1(SZT2):c.6547C>T (p.Arg2183Trp)

Gene: SZT2 (SZT2 subunit of KICSTOR complex; plus strand). Cytogenetic location: 1p34.2.
Variant type: single nucleotide variant.
Coding change: c.6547C>T on transcript NM_001365999.1 (MANE Select); coding-DNA position 6547, C replaced by T.
Protein change: p.Arg2183Trp; replaces arginine 2183 with tryptophan.
Molecular consequence: missense variant.
Genome position (GRCh38, 1-based): chr1:43,438,737, C>T. VCF-style: chr1-43438737-C-T. GRCh37 (hg19) VCF-style: chr1-43904408-C-T.
Other names: c.6376C>T, p.Arg2126Trp (NM_015284.4); short protein forms R2183W, R2126W.
Identifiers: ClinVar variation 839401 (VCV000839401.11), dbSNP rs1387787427, ClinGen allele CA340030854.